The following is an entry in ClinVar:

NM_014423.4(AFF4):c.1224A>G (p.Gly408=)

Gene: AFF4 (ALF transcription elongation factor 4; minus strand). Cytogenetic location: 5q31.1.
Variant type: single nucleotide variant.
Coding change: c.1224A>G on transcript NM_014423.4 (MANE Select); coding-DNA position 1224, A replaced by G.
Protein change: p.Gly408=; no amino-acid change (glycine 408 retained).
Molecular consequence: synonymous variant.
Genome position (GRCh38, 1-based): chr5:132,899,106, T>C on the plus strand (A>G on the coding strand, the complement: AFF4 is on the minus strand). VCF-style: chr5-132899106-T-C. GRCh37 (hg19) VCF-style: chr5-132234798-T-C.
Identifiers: ClinVar variation 3349227 (VCV003349227.1).
Genomic context (GRCh38, chr5:132,899,106, plus strand): 5'-AATGTTATCAGGCTGACCCAACTCTTACCAATAAAACAGAAAAGAAAAGGATGCCCACCT[T>C]CCTGGTGTACTCCTCGGCATTGTCTTATCACAATCCTAAAATTAAAACATAAGAAAGAAT-3'
Protein context (NP_055238.1, residues 398-418): CDKTMPRSTP[Gly408=]SNSEPSHHNS

ClinVar aggregate classification (germline): Uncertain significance (0 of 4 stars; one submission).

Conditions:
AFF4-related disorder. Also called: AFF4-related condition.

Submission:

PreventionGenetics, part of Exact Sciences
Classification: Uncertain significance for AFF4-related condition. Last evaluated: 2024-02-22. Review status: no assertion criteria provided. Collection method: clinical testing. Allele origin: germline.
Comment: The AFF4 c.1224A>G variant is not predicted to result in an amino acid change (p.=). Based on available prediction programs, this variant may impact splicing (SpliceAI, Jaganathan K, et al. 2019. PubMed ID: 30661751). To our knowledge, this variant has not been reported in the literature or in a large population database, indicating this variant is rare. At this time, the clinical significance of this variant is uncertain due to the absence of conclusive functional and genetic evidence.